The following is an entry in ClinVar:

ClinVar aggregate classification (germline): Uncertain significance (1 of 4 stars; one submission).

Submission:

Dasa
Classification: Uncertain significance. Last evaluated: 2025-03-02. Review status: criteria provided, single submitter. Criteria: DASA Assertion Criteria. Collection method: clinical testing. Allele origin: germline.
Comment: NM_001202.6(BMP4):c.1115G>A (p.Cys372Tyr) is a missense variant that results in the substitution of cysteine with tyrosine. This variant is absent from population databases. Computational prediction algorithms are consistent with a deleterious effect. The currently available literature and clinical evidence are not sufficient to establish a definitive association between this variant and the reported condition. Therefore, this variant is classified as a variant of uncertain significance.

NM_001202.6(BMP4):c.1115G>A (p.Cys372Tyr)

Gene: BMP4 (bone morphogenetic protein 4; minus strand). Cytogenetic location: 14q22.2.
Variant type: single nucleotide variant.
Coding change: c.1115G>A on transcript NM_001202.6 (MANE Select); coding-DNA position 1115, G replaced by A.
Protein change: p.Cys372Tyr; replaces cysteine 372 with tyrosine.
Molecular consequence: missense variant.
Genome position (GRCh38, 1-based): chr14:53,950,144, C>T on the plus strand (G>A on the coding strand, the complement: BMP4 is on the minus strand). VCF-style: chr14-53950144-C-T. GRCh37 (hg19) VCF-style: chr14-54416862-C-T.
Other names: c.1256G>A, p.Cys419Tyr (NM_001347912.1); c.926G>A, p.Cys309Tyr (NM_001347913.2, NM_001347915.2, NM_001347917.1); c.1115G>A, p.Cys372Tyr (NM_001347914.2, NM_001347916.1, NM_130850.5 and 1 more transcripts); short protein forms C309Y, C372Y, C419Y.
Identifiers: ClinVar variation 4882935 (VCV004882935.2).
Genomic context (GRCh38, chr14:53,950,144, plus strand): 5'-ACCTTATCATACTCATCCAGGTACAGCATGGAGATGGCACTCAGTTCAGTGGGCACACAA[C>T]AGGCTTTGGGGATACTGGAATTGACAGAATTGACCAGGGTCTGCACAATGGCATGGTTGG-3'
Protein context (NP_001193.2, residues 362-382): NSVNSSIPKA[Cys372Tyr]CVPTELSAIS